The following is an entry in ClinVar:

NM_001005242.3(PKP2):c.1379-2109G>A

Gene: PKP2 (plakophilin 2; minus strand). Cytogenetic location: 12p11.21.
Variant type: single nucleotide variant.
Coding change: c.1379-2109G>A on transcript NM_001005242.3 (MANE Select); 2109 bases into the intron before coding-DNA position 1379, G replaced by A.
Molecular consequence: intron variant. On other transcripts: splice acceptor variant (2).
Genome position (GRCh38, 1-based): chr12:32,843,314, C>T on the plus strand (G>A on the coding strand, the complement: PKP2 is on the minus strand). VCF-style: chr12-32843314-C-T. GRCh37 (hg19) VCF-style: chr12-32996248-C-T.
Other names: c.1379-2109G>A (NM_001407156.1, NM_001407155.1, NM_001407161.1); c.1379-1G>A (NM_004572.4, NM_001407157.1); c.1052-2109G>A (NM_001407160.1, NM_001407159.1, NM_001407158.1 and 1 more transcripts).
Identifiers: ClinVar variation 45023 (VCV000045023.32), dbSNP rs139159464, ClinGen allele CA010627.

ClinVar aggregate classification (germline): Conflicting classifications of pathogenicity. Review status: criteria provided, conflicting classifications (1 of 4 stars). 10 submissions from 10 submitters: Uncertain significance (4); Likely benign (6). Last evaluated 2026-02-01.

Conditions:
PKP2-related disorder. Also called: PKP2-related condition.
Cardiovascular phenotype. Identifiers: MedGen CN230736.
Cardiomyopathy (CMYO). Also called: Cardiomyopathies. Identifiers: Orphanet 167848, MedGen C0878544, MONDO:0004994, HP:0001638. Inheritance: Various modes of inheritance.
Arrhythmogenic right ventricular dysplasia 9 (ARVD9). Also called: Arrhythmogenic Right Ventricular Dysplasia/Cardiomyopathy 9; ARRHYTHMOGENIC RIGHT VENTRICULAR DYSPLASIA, FAMILIAL, 9. Identifiers: MedGen C1836906, MONDO:0012180, OMIM 609040.

Allele frequency attached by ClinVar (database versions not stated): TOPMed 0.00051; ESP Exome Variant Server 0.00054; 1000 Genomes Project 30x 0.00078; 1000 Genomes Project 0.00100; gnomAD exomes 0.00004 and 0.00011; ExAC 0.00015; gnomAD 0.00046 and 0.00050.
gnomAD v4.1: 121 of 1,365,274 alleles (0.0089%); highest among the groups gnomAD compares: African/African-American, 0.16%; no homozygotes.

Submissions (10):

Labcorp Genetics (formerly Invitae), Labcorp
Classification: Likely benign for Arrhythmogenic right ventricular dysplasia 9. Last evaluated: 2026-02-01. Review status: criteria provided, single submitter. Criteria: Invitae Variant Classification Sherloc (09022015). Collection method: clinical testing. Allele origin: germline.

PreventionGenetics, part of Exact Sciences
Classification: Likely benign for PKP2-related condition. Last evaluated: 2026-01-15. Review status: criteria provided, single submitter. Criteria: ACMG Guidelines, 2015. Collection method: clinical testing. Allele origin: germline.
Comment: This variant is classified as likely benign based on ACMG/AMP sequence variant interpretation guidelines (Richards et al. 2015 PMID: 25741868, with internal and published modifications).

Women's Health and Genetics/Laboratory Corporation of America, LabCorp
Classification: Likely benign. Last evaluated: 2025-06-03. Review status: criteria provided, single submitter. Criteria: LabCorp Variant Classification Summary - May 2015. Collection method: clinical testing. Allele origin: germline.
Comment: Variant summary: PKP2 NM_004572.4 c.1379-1G>A is located in a canonical splice-site and is predicted to affect mRNA splicing resulting in a significantly altered protein due to either exon skipping, shortening, or inclusion of intronic material. Several computational tools predict a significant impact on normal splicing: five predict the variant abolishes a 3' acceptor site. However, these predictions have yet to be confirmed by functional studies. Variants that disrupt the consensus splice site are a relatively common cause of aberrant splicing and loss of PKP2 function, however exon 6 is reported to be naturally spliced out (Gandjbakhch_2011), suggesting that this variant is not damaging. This variant is also annotated as PKP2 NM_001005242.3 c.1379-2109G>A, alters a non-conserved deep intronic nucleotide in this transcript. The variant allele was found at a frequency of 8.8e-05 in 1359600 control chromosomes, predominantly at a frequency of 0.0016 within the African or African-American subpopulation in the gnomAD database. The observed variant frequency within African or African-American control individuals in the gnomAD database is approximately 2.5-fold of the estimated maximal expected allele frequency for a pathogenic variant in PKP2 causing Arrhythmogenic Right Ventricular Dysplasia/Cardiomyopathy phenotype (0.00065). In addition, tissue expression data demonstrated that exon 6 is not expressed in any tested tissues (gnomAD, based on data from the GTEx v10 dataset). The variant, c.1379-1G>A, has been observed in at least one individual affected with Arrhythmogenic Right Ventricular Dysplasia/Cardiomyopathy, however it was also found in healthy controls, and in individuals with other phenotypes (Kapplinger_2011, Dueker_2018, Haggerty_2017, Kobayashi_2017, Yang_2022). These data do not allow any conclusion about variant significance. To our knowledge, no experimental evidence demonstrating an impact on protein function has been reported. The following publications have been ascertained in the context of this evaluation (PMID: 29288195, 21378009, 28471438, 21636032, 28166811, 36129056). ClinVar contains an entry for this variant (Variation ID: 45023). Based on the evidence outlined above, the variant was classified as likely benign.

Molecular Diagnostic Laboratory for Inherited Cardiovascular Disease, Montreal Heart Institute
Classification: Likely benign. Last evaluated: 2025-04-09. Review status: criteria provided, single submitter. Criteria: ACMG Guidelines, 2015. Collection method: clinical testing. Allele origin: germline. Affected: no.

Fulgent Genetics
Classification: Uncertain significance for Arrhythmogenic right ventricular dysplasia 9. Last evaluated: 2024-01-10. Review status: criteria provided, single submitter. Criteria: ACMG Guidelines, 2015. Collection method: clinical testing. Allele origin: germline.

ARUP Laboratories, Molecular Genetics and Genomics, ARUP Laboratories
Classification: Uncertain significance for Arrhythmogenic right ventricular dysplasia 9. Last evaluated: 2021-05-22. Review status: criteria provided, single submitter. Criteria: ARUP Molecular Germline Variant Investigation Process 2021. Collection method: clinical testing. Allele origin: germline.
Comment: The PKP2 c.1379-1G>A variant (rs139159464) is reported in the literature in a control individual from a cardiomyopathy cohort (Kapplinger 2011). This variant is reported in ClinVar (Variation ID: 45023), and is found in the African population with an allele frequency of 0.15% (38/24900 alleles) in the Genome Aggregation Database. This variant disrupts the canonical splice acceptor site of intron 5, which is likely to cause exon skipping, but would leave the transcript in frame. However, without functional studies, the effect on splicing is uncertain. Additionally, the predominant isoform in the heart does not include exon 6, and variants in exon 6 may not be associated with disease (Gandjbakhch 2011). Given the lack of clinical and functional data, the significance of the c.1379-1G>A variant is uncertain at this time. References: Gandjbakhch E et al. Plakophilin 2A is the dominant isoform in human heart tissue: consequences for the genetic screening of arrhythmogenic right ventricular cardiomyopathy. Heart. 2011 May;97(10):844-9. Kapplinger JD et al. Distinguishing arrhythmogenic right ventricular cardiomyopathy/dysplasia-associated mutations from background genetic noise. J Am Coll Cardiol. 2011 Jun 7;57(23):2317-27.

Center for Genomics, Ann and Robert H. Lurie Children's Hospital of Chicago
Classification: Uncertain significance for Arrhythmogenic right ventricular dysplasia 9. Last evaluated: 2021-03-30. Review status: criteria provided, single submitter. Criteria: ACMG Guidelines, 2015. Collection method: clinical testing. Allele origin: germline.
Comment: PKP2 NM_004572.3 exon 6 c.1379-1G>A: This variant has been reported in the literature in two individuals who underwent exome sequencing, but neither had a diagnosis or features of ARVC (Haggerty 2017 PMID:28471438). This variant is present in 0.1% (38/24900) of African alleles in the Genome Aggregation Database. This variant is also present in ClinVar (Variation ID:45023). Evolutionary conservation and computational predictive tools for this variant are limited or unavailable. Of note, this variant alters the consensus splice sequence (+/- 1,2). Loss of function variants are a known mechanism of disease for this gene (Rasmussen 2014 PMID:24704780). However, exon 6 does not appear to be spliced in/a coding exon with a different transcript, and there is no additional evidence suggesting pathogenicity at this time. Further studies are needed to understand the impact of this variant. In summary, data on this variant is insufficient for disease classification. Therefore, the clinical significance of this variant is uncertain.

Ambry Genetics
Classification: Likely benign for Cardiovascular phenotype. Last evaluated: 2019-01-09. Review status: criteria provided, single submitter. Criteria: Ambry Variant Classification Scheme 2023. Collection method: clinical testing. Allele origin: germline.

Color Diagnostics, LLC DBA Color Health
Classification: Likely benign for Cardiomyopathy. Last evaluated: 2018-11-08. Review status: criteria provided, single submitter. Criteria: ACMG Guidelines, 2015. Collection method: clinical testing. Allele origin: germline.

Laboratory for Molecular Medicine, Mass General Brigham Personalized Medicine
Classification: Uncertain significance. Last evaluated: 2018-07-05. Review status: criteria provided, single submitter. Criteria: LMM Criteria. Collection method: clinical testing. Allele origin: germline. Observed: 1 variant allele.
Comment: Variant classified as Uncertain Significance - Favor Benign. It has also been identified in 0.14% (32/23970) of African chromosomes by the Genome Aggreg ation Consortium (gnomAD; dbSNP rs139159464). PKP2 has two isoforms: a short isoform (PKP2a) missing exon 6 and a long isoform (PKP2b) including exon 6. The short isoform is the predominant form in the hear t, and variants in exon 6 may not be associated with ARVC (Gandjbakhch, 2011). T his variant occurs in the invariant region (+/- 1,2) of the splice consensus seq uence of intron 5 and is predicted to cause altered splicing of exon 6. In summa ry, while the clinical significance of the 1379-1G>A variant is uncertain, these data suggest that it is more likely to be benign. ACMG/AMP Criteria applied: BS 1_Supporting.

Literature cited by the submitters: PubMed 21378009 (cited by 3 submitters); PubMed 21636032 (cited by Women's Health and Genetics/Laboratory Corporation of America, LabCorp); PubMed 28471438 (cited by Women's Health and Genetics/Laboratory Corporation of America, LabCorp and Ambry Genetics); PubMed 28166811 (cited by Women's Health and Genetics/Laboratory Corporation of America, LabCorp and Ambry Genetics); PubMed 29288195 (cited by Women's Health and Genetics/Laboratory Corporation of America, LabCorp); PubMed 36129056 (cited by Women's Health and Genetics/Laboratory Corporation of America, LabCorp); PubMed 29802319 (cited by Ambry Genetics).